The following is an entry in ClinVar:

ClinVar aggregate classification (germline): Likely pathogenic (1 of 4 stars; one submission).

Conditions:
Cardiovascular phenotype. Identifiers: MedGen CN230736.

Submission:

Ambry Genetics
Classification: Likely pathogenic for Cardiovascular phenotype. Last evaluated: 2025-08-20. Review status: criteria provided, single submitter. Criteria: Ambry Variant Classification Scheme 2023. Collection method: clinical testing. Allele origin: germline.
Comment: The c.36272delC variant, located in coding exon 132 of the TTN gene, results from a deletion of one nucleotide at nucleotide position 36272, causing a translational frameshift with a predicted alternate stop codon (p.P12091Lfs*4). This exon is located in the A-band region of the N2-B isoform of the titin protein and is constitutively expressed in TTN transcripts (percent spliced in or PSI 100%). This variant is expected to result in loss of function by premature protein truncation or nonsense-mediated mRNA decay. While truncating variants in TTN are present in 1-3% of the general population, truncating variants in the A-band are the most common cause of dilated cardiomyopathy (Herman DS et al. N. Engl. J. Med., 2012 Feb;366:619-28; Roberts AM et al. Sci Transl Med, 2015 Jan;7:270ra6). TTN truncating variants encoded in constitutive exons (PSI >90%) have been found to be significantly associated with DCM regardless of their position in titin (Schafer S et al. Nat. Genet., 2017 01;49:46-53; Akhtar MM et al. Circ Heart Fail, 2020 Oct;13:e006832; Massier M et al. Clin Genet, 2025 Jan). This variant is considered to be rare based on population cohorts in the Genome Aggregation Database (gnomAD). Based on the majority of available evidence to date, this variant is likely to be pathogenic.

NM_001267550.2(TTN):c.63467del (p.Pro21156fs)

Genes: TTN (titin; minus strand), TTN-AS1 (TTN antisense RNA 1; plus strand). Cytogenetic location: 2q31.2.
Variant type: Deletion.
Coding change: c.63467del on transcript NM_001267550.2 (MANE Select); coding-DNA position 63467, one base deleted (C; older notation c.63467delC).
Protein change: p.Pro21156fs; shifts the reading frame from proline 21156.
Molecular consequence: frameshift variant.
Genome position (GRCh38, 1-based): chr2:178,587,940, G deleted on the plus strand (C on the coding strand, the reverse complement: TTN is on the minus strand); the first of 3 consecutive G bases (chr2:178,587,940-178,587,942); deleting any one gives the same sequence. VCF-style (leftmost placement, unchanged base first): chr2-178587939-AG-A. GRCh37 (hg19) VCF-style: chr2-179452666-AG-A.
Other names: c.58544del, p.Pro19515fs (NM_001256850.1); c.36272del, p.Pro12091fs (NM_003319.4); c.55763del, p.Pro18588fs (NM_133378.4); c.36647del, p.Pro12216fs (NM_133432.3); c.36848del, p.Pro12283fs (NM_133437.4); c.36272delC (NM_003319.4); short protein forms P12216fs, P19515fs, P21156fs, P12091fs, P12283fs, P18588fs.
Identifiers: ClinVar variation 1733369 (VCV001733369.3), dbSNP rs2469318845, ClinGen allele CA2580064790.
Genomic context (GRCh38, chr2:178,587,939, plus strand): 5'-ATGCTAAGGGAAGGACTTACCTAGTATTTCTTTAGGTTTGATAGCTTCCTTTAGCTCTGC[AG>A]GGCGCCCAATACCAACTTGGTTTTGGGCACACACCCTGAACTCATATTCCTGGTTTTCAT-3'